The following is an entry in ClinVar:

NM_001848.3(COL6A1):c.846_854del (p.Glu282_Gly284del)

Gene: COL6A1 (collagen type VI alpha 1 chain; plus strand). Cytogenetic location: 21q22.3.
Variant type: Deletion.
Coding change: c.846_854del on transcript NM_001848.3 (MANE Select); coding-DNA positions 846 to 854, 9 bases deleted (AGCCGGAGA; older notation c.846_854delAGCCGGAGA).
Protein change: p.Glu282_Gly284del.
Molecular consequence: inframe deletion.
Genome position (GRCh38, 1-based): chr21:45,989,125-45,989,133, AGCCGGAGA deleted; deleting any 9 consecutive bases within chr21:45,989,120-45,989,133 gives the same sequence; the c. name uses the placement nearest the transcript's 3' end. VCF-style (leftmost placement, unchanged base first): chr21-45989119-GGGAGAAGCC-G. GRCh37 (hg19) VCF-style: chr21-47409033-GGGAGAAGCC-G.
Other names: c.846_854delAGCCGGAGA (NM_001848.2).
Identifiers: ClinVar variation 476440 (VCV000476440.12), dbSNP rs1556425474, ClinGen allele CA658658901.

ClinVar aggregate classification (germline): Conflicting classifications of pathogenicity. Review status: criteria provided, conflicting classifications (1 of 4 stars). 2 submissions from 2 submitters: Likely pathogenic (1); Uncertain significance (1). Last evaluated 2022-07-19.

Conditions:
Bethlem myopathy 1A. Also called: Bethlem Muscular Dystrophy; MYOPATHY, BENIGN CONGENITAL, WITH CONTRACTURES; Bethlem myopathy 1. Identifiers: Orphanet 610, MedGen CN029274, MONDO:0024530, OMIM 158810.

Submissions (2):

Labcorp Genetics (formerly Invitae), Labcorp
Classification: Likely pathogenic for Bethlem myopathy 1A. Last evaluated: 2022-07-19. Review status: criteria provided, single submitter. Criteria: Invitae Variant Classification Sherloc (09022015). Collection method: clinical testing. Allele origin: germline.
Comment: This variant disrupts the triple helix domain of COL6A1. Glycine residues within the Gly-Xaa-Yaa repeats of the triple helix domain are required for the structure and stability of fibrillar collagens (PMID: 7695699, 8218237, 19344236). In COL6A1, variants at these glycine residues are significantly enriched in individuals with autosomal dominant disease (PMID: 15689448, 24038877) compared to the general population (ExAC). ClinVar contains an entry for this variant (Variation ID: 476440). This variant has not been reported in the literature in individuals affected with COL6A1-related conditions. This variant is not present in population databases (gnomAD no frequency). This variant, c.846_854del, results in the deletion of 3 amino acid(s) of the COL6A1 protein (p.Glu282_Gly284del), but otherwise preserves the integrity of the reading frame. In summary, the currently available evidence indicates that the variant is pathogenic, but additional data are needed to prove that conclusively. Therefore, this variant has been classified as Likely Pathogenic.

Eurofins Ntd Llc (ga)
Classification: Uncertain significance. Last evaluated: 2016-12-21. Review status: criteria provided, single submitter. Criteria: EGL Classification Definitions 2015. Collection method: clinical testing. Allele origin: germline. Observed: 1 variant allele, 1 heterozygote.

Literature cited by the submitters: PubMed 7695699 (cited by Labcorp Genetics (formerly Invitae), Labcorp); PubMed 8218237 (cited by Labcorp Genetics (formerly Invitae), Labcorp); PubMed 19344236 (cited by Labcorp Genetics (formerly Invitae), Labcorp); PubMed 15689448 (cited by Labcorp Genetics (formerly Invitae), Labcorp); PubMed 24038877 (cited by Labcorp Genetics (formerly Invitae), Labcorp).